The following is an entry in ClinVar:

NM_007294.4(BRCA1):c.1504_1508del (p.Leu502fs)

Gene: BRCA1 (BRCA1 DNA repair associated; minus strand). Cytogenetic location: 17q21.31.
Variant type: Deletion.
Coding change: c.1504_1508del on transcript NM_007294.4 (MANE Select); coding-DNA positions 1504 to 1508, 5 bases deleted (TTAAA; older notation c.1504_1508delTTAAA).
Protein change: p.Leu502fs; shifts the reading frame from leucine 502.
Molecular consequence: frameshift variant. On other transcripts: intron variant (137).
Genome position (GRCh38, 1-based): chr17:43,094,023-43,094,027, TTTAA deleted on the plus strand (TTAAA on the coding strand, the reverse complement: BRCA1 is on the minus strand); deleting any 5 consecutive bases within chr17:43,094,023-43,094,031 gives the same sequence; the c. name uses the placement nearest the transcript's 3' end. VCF-style (leftmost placement, unchanged base first): chr17-43094022-CTTTAA-C. GRCh37 (hg19) VCF-style: chr17-41246039-CTTTAA-C.
Other names: 1623_1627delTTAAA; 1623del5; c.1504_1508delTTAAA (NM_007300.4, NM_007294.3, NM_007300.3); c.1291_1295del, p.Leu431fs (NM_001407571.1, NM_001407853.1, NM_001407894.1 and 9 more transcripts); c.1504_1508del, p.Leu502fs (NM_001407581.1, NM_001407582.1, NM_001407583.1 and 30 more transcripts); c.1501_1505del, p.Leu501fs (NM_001407587.1, NM_001407590.1, NM_001407591.1 and 22 more transcripts); c.1495_1499del, p.Leu499fs (NM_001407646.1, NM_001407647.1); c.1381_1385del, p.Leu461fs (NM_001407648.1, NM_001407664.1, NM_001407665.1 and 19 more transcripts); and 43 more; short protein forms L455fs, L502fs, L206fs, L334fs, L374fs, L413fs, L431fs, L391fs.
Identifiers: ClinVar variation 37417 (VCV000037417.105), dbSNP rs80357888, ClinGen allele CA353757.

ClinVar aggregate classification (germline): Pathogenic. Review status: reviewed by expert panel (3 of 4 stars). 36 submissions from 35 submitters: Pathogenic (1). 35 of the submissions do not count toward it. Last evaluated 2016-04-22.

Conditions:
BRCA1-related disorder. Also called: BRCA1-related condition.
Dysgerminoma. Identifiers: MedGen C0013377, MONDO:0003002, HP:0100621.
Inherited breast cancer and ovarian cancer.
Hereditary cancer-predisposing syndrome. Also called: Neoplastic Syndromes, Hereditary; Tumor predisposition; Hereditary Cancer Syndrome; Hereditary neoplastic syndrome. Identifiers: Orphanet 140162, MedGen C0027672, MeSH D009386, MONDO:0015356.
Hereditary breast ovarian cancer syndrome. Also called: Hereditary breast and ovarian cancer; Breast and ovarian cancer; Hereditary breast and/or ovarian cancer syndrome; Hereditary breast and ovarian cancer syndrome (HBOC); Hereditary breast and ovarian cancer syndrome; BRCA1- and BRCA2-Associated Hereditary Breast and Ovarian Cancer. Identifiers: Orphanet 145, MedGen C0677776, MeSH D061325, MONDO:0003582. Disease mechanism: loss of function.
Breast-ovarian cancer, familial, susceptibility to, 1 (BROVCA1). Also called: OVARIAN CANCER, SUSCEPTIBILITY TO; BRCA1 Hereditary Breast and Ovarian Cancer. Identifiers: Orphanet 145, MedGen C2676676, MONDO:0011450, OMIM 604370. Disease mechanism: loss of function.
Familial cancer of breast. Also called: BREAST CANCER, FAMILIAL; Hereditary breast cancer; hereditary breast carcinoma. Identifiers: Orphanet 227535, MedGen C0346153, MONDO:0016419, OMIM 114480. Disease mechanism: loss of function.
Malignant tumor of breast. Also called: Malignant breast neoplasm; Cancer breast. Identifiers: MedGen C0006142, MONDO:0007254. Disease mechanism: loss of function.
bilateral breast cancer. Identifiers: MedGen CN235586.

Submissions 1 to 8 of 36:

Evidence-based Network for the Interpretation of Germline Mutant Alleles (ENIGMA)
Classification: Pathogenic for Breast-ovarian cancer, familial, susceptibility to, 1. Last evaluated: 2016-04-22. Review status: reviewed by expert panel. Criteria: ENIGMA BRCA1/2 Classification Criteria (2015). Collection method: curation. Allele origin: germline.
Comment: Variant allele predicted to encode a truncated non-functional protein.

Genetics Laboratory, Great Ormond Street Hospital NHS Foundation Trust, North Thames Genomic Laboratory Hub
Classification: Pathogenic for Inherited breast cancer and ovarian cancer. Last evaluated: 2026-01-29. Review status: criteria provided, single submitter. Criteria: CanVIG BRCA Gene Specific V1.22. Collection method: clinical testing. Allele origin: germline. Affected: yes. Not counted in ClinVar's aggregate classification.
Comment: PS4_very-strong, PVS1_very-strong, PM5_strong

Labcorp Genetics (formerly Invitae), Labcorp
Classification: Pathogenic for Hereditary breast ovarian cancer syndrome. Last evaluated: 2025-11-02. Review status: criteria provided, single submitter. Criteria: Invitae Variant Classification Sherloc (09022015). Collection method: clinical testing. Allele origin: germline. Not counted in ClinVar's aggregate classification.
Comment: This sequence change creates a premature translational stop signal (p.Leu502Alafs*2) in the BRCA1 gene. It is expected to result in an absent or disrupted protein product. Loss-of-function variants in BRCA1 are known to be pathogenic (PMID: 20104584). This variant is present in population databases (rs80357888, gnomAD 0.007%). This premature translational stop signal has been observed in individual(s) with breast and/or ovarian cancer (PMID: 9150151, 20104584, 23479189, 23536787, 24372583, 26296701). This variant is also known as 1623del5. ClinVar contains an entry for this variant (Variation ID: 37417). For these reasons, this variant has been classified as Pathogenic.

Institute of Human Genetics, FAU Erlangen, Friedrich-Alexander-Universität Erlangen-Nürnberg
Classification: Pathogenic. Last evaluated: 2025-07-14. Review status: criteria provided, single submitter. Criteria: Hauer et al. (Genet Med. 2018). Collection method: clinical testing. Allele origin: germline. Inheritance: Unknown mechanism. Affected: yes. Observed: 1 variant allele. Not counted in ClinVar's aggregate classification.
Comment: This variant has been identified by standard clinical testing.

Quest Diagnostics Nichols Institute San Juan Capistrano
Classification: Pathogenic. Last evaluated: 2025-07-07. Review status: criteria provided, single submitter. Criteria: Quest Diagnostics criteria. Collection method: clinical testing. Allele origin: unknown. Not counted in ClinVar's aggregate classification.
Comment: The BRCA1 c.1504_1508del (p.Leu502Alafs*2) variant alters the translational reading frame of the BRCA1 mRNA and causes the premature termination of BRCA1 protein synthesis. This variant has been reported in the published literature in individuals with breast and/or ovarian cancer (PMID: 9150151 (1997), 10980541 (2000), 11606101 (2001), 20104584 (2010), 22034289 (2012), 23536787 (2013), 24728189 (2014), 24372583 (2015), 27836010 (2016), 27062684 (2016), 28993434 (2018), 29907814 (2018), 30078507 (2018), 30322717 (2018), 30720863 (2019), 38439815 (2024), 39582020 (2024), 33471991 (2021), see also LOVD), and reportedly unaffected individuals (PMID: 32467295 (2020), 33471991 (2021), see also LOVD). The frequency of this variant in the general population (Genome Aggregation Database) is consistent with pathogenicity. Based on the available information, this variant is classified as pathogenic.

Center for Genomic Medicine, Rigshospitalet, Copenhagen University Hospital
Classification: Pathogenic. Last evaluated: 2025-03-04. Review status: criteria provided, single submitter. Criteria: ACMG Guidelines, 2015. Collection method: clinical testing. Allele origin: germline. Not counted in ClinVar's aggregate classification.

Ambry Genetics
Classification: Pathogenic for Hereditary cancer-predisposing syndrome. Last evaluated: 2025-01-28. Review status: criteria provided, single submitter. Criteria: Ambry Variant Classification Scheme 2023. Collection method: clinical testing. Allele origin: germline. Not counted in ClinVar's aggregate classification.
Comment: The c.1504_1508delTTAAA pathogenic mutation, located in coding exon 9 of the BRCA1 gene, results from a deletion of 5 nucleotides at nucleotide positions 1504 to 1508, causing a translational frameshift with a predicted alternate stop codon (p.L502Afs*2). This mutation has been detected in multiple breast and/or ovarian cancer families of various ethnicities to date (Peelen T et al. Am. J. Hum. Genet. 1997 May;60(5):1041-9; Haffty BG et al. Ann. Oncol. 2009 Oct;20:1653-9; Stavropoulou AV et al. PLoS One. 2013 Mar;8(3):e58182; de Juan Jim&eacute;nez I et al. Fam. Cancer. 2013 Dec;12(4):767-77; Song H et al. Hum. Mol. Genet. 2014 Sep;23:4703-9; Riahi A et al. Clin. Genet. 2015 Feb;87(2):155-60; Ellingson MS et al. Breast Cancer Res. Treat. 2015 Sep;153:435-43; Palmero EI et al. Sci Rep. 2018 Jun;8(1):9188; Wen WX et al. J. Med. Genet. 2018 Feb;55(2):97-103)(Lerner-Ellis J et al. J Cancer Res Clin Oncol, 2021 Mar;147:871-879). Of note, this alteration is also designated as 1623del5 in published literature. In addition to the clinical data presented in the literature, this alteration is expected to result in loss of function by premature protein truncation or nonsense-mediated mRNA decay. As such, this alteration is interpreted as a disease-causing mutation.

All of Us Research Program, National Institutes of Health
Classification: Pathogenic for Breast-ovarian cancer, familial, susceptibility to, 1. Last evaluated: 2024-02-05. Review status: criteria provided, single submitter. Criteria: ACMG Guidelines, 2015. Collection method: clinical testing. Allele origin: germline. Inheritance: Autosomal dominant inheritance. Observed: 1 variant allele, 1 heterozygote. Not counted in ClinVar's aggregate classification.
Comment: This variant deletes 5 nucleotides in exon 10 of the BRCA1 gene, creating a frameshift and premature translation stop signal. This variant is expected to result in an absent or non-functional protein product. To our knowledge, functional studies have not been reported for this variant. This variant has been detected in at least 15 individuals affected with breast and ovarian cancer (PMID: 11376024, 19491284, 20104584, 21204799, 23479189, 23536787, 24010542, 24372583, 24728189, 26296701, 28993434, 30078507, 30130155, 33471991; Leiden Open Variation Database DB-ID BRCA1_001306; Color internal data). This variant has been identified in 3/251068 chromosomes in the general population by the Genome Aggregation Database (gnomAD). Loss of BRCA1 function is a known mechanism of disease. Based on the available evidence, this variant is classified as Pathogenic.

This study involves interpretation of variants in research participants for the purpose of population health screening. Participant phenotype was not available at the time of variant classification. Additional details can be found in publication PMID: 35346344, PMCID: PMC8962531